The following is an entry in ClinVar:

NM_078470.6(COX15):c.395+97G>A

Gene: COX15 (cytochrome c oxidase assembly factor COX15; minus strand). Cytogenetic location: 10q24.2.
Variant type: single nucleotide variant.
Coding change: c.395+97G>A on transcript NM_078470.6 (MANE Select); 97 bases into the intron after coding-DNA position 395, G replaced by A.
Molecular consequence: intron variant.
Genome position (GRCh38, 1-based): chr10:99,727,344, C>T on the plus strand (G>A on the coding strand, the complement: COX15 is on the minus strand). VCF-style: chr10-99727344-C-T. GRCh37 (hg19) VCF-style: chr10-101487101-C-T.
Other names: NC_000010.10:g.101487101C>T; c.395+97G>A (NM_001320974.2, NM_001372026.1, NM_001372028.1 and 5 more transcripts); c.-60+97G>A (NM_001320976.2).
Identifiers: ClinVar variation 676302 (VCV000676302.3), dbSNP rs2231681, ClinGen allele CA212813801.

ClinVar aggregate classification (germline): Benign. Review status: criteria provided, multiple submitters, no conflicts (2 of 4 stars). 2 submissions from 2 submitters: Benign (2). Last evaluated 2018-06-16.

Allele frequency attached by ClinVar (database versions not stated): 1000 Genomes Project 0.01438; gnomAD 0.01477 and 0.01585; 1000 Genomes Project 30x 0.01483; TOPMed 0.01649.
gnomAD v4.1: 4,453 of 1,556,064 alleles (0.29%); highest among the groups gnomAD compares: African/African-American, 5.3%; 108 homozygotes.

Submissions (5):

GeneDx
Classification: Benign. Last evaluated: 2018-06-16. Review status: criteria provided, single submitter. Criteria: GeneDx Variant Classification (06012015). Collection method: clinical testing. Allele origin: germline. Affected: yes.
Comment: This variant is considered likely benign or benign based on one or more of the following criteria: it is a conservative change, it occurs at a poorly conserved position in the protein, it is predicted to be benign by multiple in silico algorithms, and/or has population frequency not consistent with disease.

Breakthrough Genomics
Classification: Benign. Review status: criteria provided, single submitter. Criteria: ACMG Guidelines, 2015. Collection method: not provided. Allele origin: germline. Inheritance: Autosomal recessive inheritance. Affected: yes.

Dr. Peter K. Rogan Lab, Western University
No classification provided (evidence only). Condition: Cervical cancer. Review status: no classification provided. Collection method: in vitro. Allele origin: not applicable. Functional consequence: retained intron. Not counted in ClinVar's aggregate classification.

Dr. Peter K. Rogan Lab, Western University
No classification provided (evidence only). Condition: Sarcoma. Review status: no classification provided. Collection method: in vitro. Allele origin: not applicable. Functional consequence: retained intron. Not counted in ClinVar's aggregate classification.

Dr. Peter K. Rogan Lab, Western University
No classification provided (evidence only). Condition: Malignant tumor of esophagus. Review status: no classification provided. Collection method: in vitro. Allele origin: not applicable. Functional consequence: retained intron. Not counted in ClinVar's aggregate classification.